The following is an entry in ClinVar:

ClinVar aggregate classification (germline): Conflicting classifications of pathogenicity. Review status: criteria provided, conflicting classifications (1 of 4 stars). 2 submissions from 2 submitters: Uncertain significance (1); Likely benign (1). Last evaluated 2024-06-17.

Conditions:
Hereditary cancer-predisposing syndrome. Also called: Tumor predisposition; Hereditary neoplastic syndrome; Neoplastic Syndromes, Hereditary; Hereditary Cancer Syndrome. Identifiers: Orphanet 140162, MedGen C0027672, MeSH D009386, MONDO:0015356.
Ataxia-telangiectasia syndrome (AT). Also called: Ataxia-telangiectasia, complementation group E; AT, COMPLEMENTATION GROUP C; ATAXIA-TELANGIECTASIA, COMPLEMENTATION GROUP A; ATAXIA-TELANGIECTASIA, FRESNO VARIANT; Ataxia-telangiectasia; LOUIS-BAR SYNDROME. Identifiers: Orphanet 100, MedGen C0004135, MONDO:0008840, OMIM 208900.

Allele frequency attached by ClinVar (database versions not stated): gnomAD exomes below 0.00001.
gnomAD v4.1: 1 of 1,612,652 alleles (0.000062%); highest among the groups gnomAD compares: Non-Finnish European, 0.000085%; no homozygotes.

Submissions (2):

Ambry Genetics
Classification: Uncertain significance for Hereditary cancer-predisposing syndrome. Last evaluated: 2024-06-17. Review status: criteria provided, single submitter. Criteria: Ambry Variant Classification Scheme 2023. Collection method: clinical testing. Allele origin: germline.
Comment: The p.C107R variant (also known as c.319T>C), located in coding exon 3 of the ATM gene, results from a T to C substitution at nucleotide position 319. The cysteine at codon 107 is replaced by arginine, an amino acid with highly dissimilar properties. This amino acid position is well conserved in available vertebrate species. In addition, this alteration is predicted to be tolerated by in silico analysis. Based on the available evidence, the clinical significance of this variant remains unclear.

Labcorp Genetics (formerly Invitae), Labcorp
Classification: Likely benign for Ataxia-telangiectasia syndrome. Last evaluated: 2024-04-22. Review status: criteria provided, single submitter. Criteria: Invitae Variant Classification Sherloc (09022015). Collection method: clinical testing. Allele origin: germline.

NM_000051.4(ATM):c.319T>C (p.Cys107Arg)

Gene: ATM (ATM serine/threonine kinase; plus strand). Cytogenetic location: 11q22.3.
Variant type: single nucleotide variant.
Coding change: c.319T>C on transcript NM_000051.4 (MANE Select); coding-DNA position 319, T replaced by C.
Protein change: p.Cys107Arg; replaces cysteine 107 with arginine.
Molecular consequence: missense variant.
Genome position (GRCh38, 1-based): chr11:108,229,311, T>C. VCF-style: chr11-108229311-T-C. GRCh37 (hg19) VCF-style: chr11-108100038-T-C.
Other names: c.319T>C, p.Cys107Arg (NM_001351834.2, NM_001351835.2, NM_001351836.2); short protein forms C107R.
Identifiers: ClinVar variation 220396 (VCV000220396.12), dbSNP rs864622508, ClinGen allele CA350592.